The following is an entry in ClinVar:

NM_133510.4(RAD51B):c.486A>C (p.Arg162Ser)

Gene: RAD51B (RAD51 paralog B; plus strand). Cytogenetic location: 14q24.1.
Variant type: single nucleotide variant.
Coding change: c.486A>C on transcript NM_133510.4 (MANE Select); coding-DNA position 486, A replaced by C.
Protein change: p.Arg162Ser; replaces arginine 162 with serine.
Molecular consequence: missense variant.
Genome position (GRCh38, 1-based): chr14:67,885,902, A>C. VCF-style: chr14-67885902-A-C. GRCh37 (hg19) VCF-style: chr14-68352619-A-C.
Other names: c.486A>C, p.Arg162Ser (NM_001321819.1, NM_001321821.2, NM_002877.6 and 6 more transcripts); c.372A>C, p.Arg124Ser (NM_001321815.1); c.129A>C, p.Arg43Ser (NM_001321817.2); short protein forms R162S, R124S, R43S.
Identifiers: ClinVar variation 4149818 (VCV004149818.1).
Genomic context (GRCh38, chr14:67,885,902, plus strand): 5'-CGTTTGTGCTATTTTTTTCACCCACAGACTGGTTGAAATAGCAGAATCCCGTTTTCCCAG[A>C]TATTTTAACACTGAAGAAAAGTTACTTTTGACAAGTAGTAAAGTTCATCTTTATCGGGAA-3'
Protein context (NP_598194.1, residues 152-172): LVEIAESRFP[Arg162Ser]YFNTEEKLLL

ClinVar aggregate classification (germline): Uncertain significance (1 of 4 stars; one submission).

Submission:

Ambry Genetics
Classification: Uncertain significance. Last evaluated: 2025-07-03. Review status: criteria provided, single submitter. Criteria: Ambry Variant Classification Scheme 2023. Collection method: clinical testing. Allele origin: germline.
Comment: The p.R162S variant (also known as c.486A>C), located in coding exon 5 of the RAD51B gene, results from an A to C substitution at nucleotide position 486. The arginine at codon 162 is replaced by serine, an amino acid with dissimilar properties. This amino acid position is conserved. In addition, this alteration is predicted to be tolerated by in silico analysis. Based on the available evidence, the clinical significance of this variant remains unclear.